The following is an entry in ClinVar:

ClinVar aggregate classification (germline): Uncertain significance. Review status: criteria provided, multiple submitters, no conflicts (2 of 4 stars). 2 submissions from 2 submitters: Uncertain significance (2). Last evaluated 2025-07-29.

Conditions:
Aortic aneurysm, familial thoracic 4 (AAT4). Also called: AORTIC ANEURYSM/AORTIC DISSECTION AND PATENT DUCTUS ARTERIOSUS. Identifiers: MedGen C1851504, MONDO:0007568, OMIM 132900.
Familial thoracic aortic aneurysm and aortic dissection (TAAD). Also called: Thoracic aortic aneurysms and dissections. Identifiers: Orphanet 91387, MedGen C4707243, MONDO:0019625.

gnomAD v4.1: 54 of 1,614,214 alleles (0.0033%); highest among the groups gnomAD compares: Non-Finnish European, 0.0046%; no homozygotes.

Submissions (2):

Labcorp Genetics (formerly Invitae), Labcorp
Classification: Uncertain significance for Aortic aneurysm, familial thoracic 4. Last evaluated: 2025-07-29. Review status: criteria provided, single submitter. Criteria: Invitae Variant Classification Sherloc (09022015). Collection method: clinical testing. Allele origin: germline.
Comment: This sequence change replaces methionine, which is neutral and non-polar, with isoleucine, which is neutral and non-polar, at codon 1811 of the MYH11 protein (p.Met1811Ile). This variant is present in population databases (no rsID available, gnomAD 0.0009%). This variant has not been reported in the literature in individuals affected with MYH11-related conditions. ClinVar contains an entry for this variant (Variation ID: 3071164). Invitae Evidence Modeling of protein sequence and biophysical properties (such as structural, functional, and spatial information, amino acid conservation, physicochemical variation, residue mobility, and thermodynamic stability) indicates that this missense variant is not expected to disrupt MYH11 protein function with a negative predictive value of 95%. In summary, the available evidence is currently insufficient to determine the role of this variant in disease. Therefore, it has been classified as a Variant of Uncertain Significance.

All of Us Research Program, National Institutes of Health
Classification: Uncertain significance for Familial thoracic aortic aneurysm and aortic dissection. Last evaluated: 2023-05-31. Review status: criteria provided, single submitter. Criteria: ACMG Guidelines, 2015. Collection method: clinical testing. Allele origin: germline. Inheritance: Autosomal dominant inheritance. Observed: 1 variant allele, 1 heterozygote.
Comment: This study involves interpretation of variants in research participants for the purpose of population health screening. Participant phenotype was not available at the time of variant classification. Additional details can be found in publication PMID: 35346344, PMCID: PMC8962531

NM_002474.3(MYH11):c.5412G>T (p.Met1804Ile)

Genes: MYH11 (myosin heavy chain 11; minus strand), NDE1 (nudE neurodevelopment protein 1; plus strand). Cytogenetic location: 16p13.11.
Variant type: single nucleotide variant.
Coding change: c.5412G>T on transcript NM_002474.3 (MANE Select); coding-DNA position 5412, G replaced by T.
Protein change: p.Met1804Ile; replaces methionine 1804 with isoleucine.
Molecular consequence: missense variant. On other transcripts: intron variant (2).
Genome position (GRCh38, 1-based): chr16:15,717,232, C>A on the plus strand (G>T on the coding strand, the complement: MYH11 is on the minus strand). VCF-style: chr16-15717232-C-A. GRCh37 (hg19) VCF-style: chr16-15811089-C-A.
Other names: c.5433G>T, p.Met1811Ile (NM_001040113.2, NM_001040114.2); c.5412G>T, p.Met1804Ile (NM_022844.3); c.948-6959C>A (NM_001143979.2, NM_017668.3); short protein forms M1804I, M1811I.
Identifiers: ClinVar variation 3071164 (VCV003071164.2), dbSNP rs748806263, ClinGen allele CA394848947.